The following is an entry in ClinVar:

NM_001042424.3(NSD2):c.2639del (p.Phe880fs)

Gene: NSD2 (nuclear receptor binding SET domain protein 2; plus strand). Cytogenetic location: 4p16.3.
Variant type: Deletion.
Coding change: c.2639del on transcript NM_001042424.3 (MANE Select); coding-DNA position 2639, one base deleted (T; older notation c.2639delT).
Protein change: p.Phe880fs; shifts the reading frame from phenylalanine 880.
Molecular consequence: frameshift variant.
Genome position (GRCh38, 1-based): chr4:1,955,813, T deleted; the last of 2 consecutive T bases (chr4:1,955,812-1,955,813); deleting either gives the same sequence. VCF-style (leftmost placement, unchanged base first): chr4-1955811-CT-C. GRCh37 (hg19) VCF-style: chr4-1957538-CT-C.
Other names: c.2639del, p.Phe880fs (NM_133330.3, NM_133331.3, NM_133335.4); short protein forms F880fs.
Identifiers: ClinVar variation 1098704 (VCV001098704.1), dbSNP rs2108958731, ClinGen allele CA2499217188.

ClinVar aggregate classification (germline): Likely pathogenic (1 of 4 stars; one submission).

Conditions:
Wolf-Hirschhorn like syndrome.

Submission:

New York Genome Center
Classification: Likely pathogenic for Wolf-Hirschhorn-like syndrome. Last evaluated: 2020-07-17. Review status: criteria provided, single submitter. Criteria: NYGC Assertion Criteria 2020. Collection method: clinical testing. Allele origin: germline. Observed: 1 heterozygote. Study: CSER-NYCKidSeq.
Comment: The heterozygous one nucleotide deletion (c.2639del, p.Phe880SerfsTer7) located in exon 14 (of 22) of the NSD2 gene alters the wild-type translational reading frame and is predicted to cause loss of normal protein function either through protein truncation or nonsense-mediated mRNA decay. This predicted loss-of-function frameshift variant has not been reported in the affected individuals in the literature. Loss-of-function variants upstream and downstream of exon 14 have been reported [1-4]. The variant is absent from the gnomAD(v3) database indicating it is an extremely rare allele in the general population. Based on the available evidence, this heterozygous frameshift variant identified in the NSD2 gene is reported here as Likely Pathogenic.